The following is an entry in ClinVar:

NM_014754.3(PTDSS1):c.168C>A (p.Phe56Leu)

Gene: PTDSS1 (phosphatidylserine synthase 1; plus strand). Cytogenetic location: 8q22.1.
Variant type: single nucleotide variant.
Coding change: c.168C>A on transcript NM_014754.3 (MANE Select); coding-DNA position 168, C replaced by A.
Protein change: p.Phe56Leu; replaces phenylalanine 56 with leucine.
Molecular consequence: missense variant. On other transcripts: 5 prime UTR variant (1).
Genome position (GRCh38, 1-based): chr8:96,262,208, C>A. VCF-style: chr8-96262208-C-A. GRCh37 (hg19) VCF-style: chr8-97274436-C-A.
Other names: c.-101C>A (NM_001290225.2); short protein forms F56L.
Identifiers: ClinVar variation 2888324 (VCV002888324.3), dbSNP rs2488060763, ClinGen allele CA371753050.

ClinVar aggregate classification (germline): Uncertain significance (1 of 4 stars; one submission).

Submission:

Labcorp Genetics (formerly Invitae), Labcorp
Classification: Uncertain significance. Last evaluated: 2023-10-05. Review status: criteria provided, single submitter. Criteria: Invitae Variant Classification Sherloc (09022015). Collection method: clinical testing. Allele origin: germline.
Comment: This sequence change replaces phenylalanine, which is neutral and non-polar, with leucine, which is neutral and non-polar, at codon 56 of the PTDSS1 protein (p.Phe56Leu). This variant is not present in population databases (gnomAD no frequency). This missense change has been observed in individual(s) with clinical features of PTDSS1-related conditions (Invitae). Advanced modeling of protein sequence and biophysical properties (such as structural, functional, and spatial information, amino acid conservation, physicochemical variation, residue mobility, and thermodynamic stability) performed at Invitae indicates that this missense variant is not expected to disrupt PTDSS1 protein function. Algorithms developed to predict the effect of sequence changes on RNA splicing suggest that this variant may create or strengthen a splice site. In summary, the available evidence is currently insufficient to determine the role of this variant in disease. Therefore, it has been classified as a Variant of Uncertain Significance.